The following is an entry in ClinVar:

NM_017654.4(SAMD9):c.1481G>A (p.Cys494Tyr)

Gene: SAMD9 (sterile alpha motif domain containing 9; minus strand). Cytogenetic location: 7q21.2.
Variant type: single nucleotide variant.
Coding change: c.1481G>A on transcript NM_017654.4 (MANE Select); coding-DNA position 1481, G replaced by A.
Protein change: p.Cys494Tyr; replaces cysteine 494 with tyrosine.
Molecular consequence: missense variant.
Genome position (GRCh38, 1-based): chr7:93,104,617, C>T on the plus strand (G>A on the coding strand, the complement: SAMD9 is on the minus strand). VCF-style: chr7-93104617-C-T. GRCh37 (hg19) VCF-style: chr7-92733930-C-T.
Other names: c.1481G>A, p.Cys494Tyr (NM_001193307.2); short protein forms C494Y.
Identifiers: ClinVar variation 4843108 (VCV004843108.1).

ClinVar aggregate classification (germline): Uncertain significance (1 of 4 stars; one submission).

Conditions:
Inborn genetic diseases. Identifiers: MedGen C0950123, MeSH D030342.

Submission:

Ambry Genetics
Classification: Uncertain significance for Inborn genetic diseases. Last evaluated: 2025-12-17. Review status: criteria provided, single submitter. Criteria: Ambry Variant Classification Scheme 2023. Collection method: clinical testing. Allele origin: germline.
Comment: The p.C494Y variant (also known as c.1481G>A), located in coding exon 1 of the SAMD9 gene, results from a G to A substitution at nucleotide position 1481. The cysteine at codon 494 is replaced by tyrosine, an amino acid with highly dissimilar properties. This amino acid position is conserved. In addition, the in silico prediction for this alteration is inconclusive. Based on the available evidence, the clinical significance of this variant remains unclear.